The following is an entry in ClinVar:

ClinVar aggregate classification (germline): Uncertain significance (1 of 4 stars; one submission).

Conditions:
Microphthalmia, isolated, with coloboma 6 (MCOPCB6). Also called: Microphthalmia with coloboma 6, digenic; Microphthalmia with coloboma 6; MICROPHTHALMIA/COLOBOMA 6. Identifiers: Orphanet 98938, MedGen C3150968, MONDO:0013376, OMIM 613703.
Klippel-Feil syndrome 1, autosomal dominant (KFS1). Also called: CERVICAL VERTEBRAL FUSION, AUTOSOMAL DOMINANT. Identifiers: Orphanet 2345, MedGen C1861689, MONDO:0007306, OMIM 118100.
Leber congenital amaurosis 17 (LCA17). Identifiers: Orphanet 65, MedGen C3715164, MONDO:0014145, OMIM 615360.
Isolated microphthalmia 4. Identifiers: Orphanet 2542, MedGen C2751307, MONDO:0013130, OMIM 613094.

Allele frequency attached by ClinVar (database versions not stated): TOPMed below 0.00001; gnomAD 0.00001.

Submission:

Labcorp Genetics (formerly Invitae), Labcorp
Classification: Uncertain significance for Isolated microphthalmia 4; Leber congenital amaurosis 17; Klippel-Feil syndrome 1, autosomal dominant; Microphthalmia, isolated, with coloboma 6. Last evaluated: 2022-03-20. Review status: criteria provided, single submitter. Criteria: Invitae Variant Classification Sherloc (09022015). Collection method: clinical testing. Allele origin: germline.
Comment: This variant has not been reported in the literature in individuals affected with GDF6-related conditions. Algorithms developed to predict the effect of missense changes on protein structure and function are either unavailable or do not agree on the potential impact of this missense change (SIFT: "Deleterious"; PolyPhen-2: "Probably Damaging"; Align-GVGD: "Class C0"). This variant is not present in population databases (gnomAD no frequency). In summary, the available evidence is currently insufficient to determine the role of this variant in disease. Therefore, it has been classified as a Variant of Uncertain Significance. This sequence change replaces alanine, which is neutral and non-polar, with glycine, which is neutral and non-polar, at codon 276 of the GDF6 protein (p.Ala276Gly).

NM_001001557.4(GDF6):c.827C>G (p.Ala276Gly)

Gene: GDF6 (growth differentiation factor 6; minus strand). Cytogenetic location: 8q22.1.
Variant type: single nucleotide variant.
Coding change: c.827C>G on transcript NM_001001557.4 (MANE Select); coding-DNA position 827, C replaced by G.
Protein change: p.Ala276Gly; replaces alanine 276 with glycine.
Molecular consequence: missense variant.
Genome position (GRCh38, 1-based): chr8:96,145,104, G>C on the plus strand (C>G on the coding strand, the complement: GDF6 is on the minus strand). VCF-style: chr8-96145104-G-C. GRCh37 (hg19) VCF-style: chr8-97157332-G-C.
Other names: short protein forms A276G.
Identifiers: ClinVar variation 1965063 (VCV001965063.5), dbSNP rs968048530, ClinGen allele CA181485033.
Genomic context (GRCh38, chr8:96,145,104, plus strand): 5'-TGCTCGCGCATCTCTGCGAACAGGTTCTTGCGCTGGGATCTGGTGAATACCACCAGCAGG[G>C]CCCGCTCCTGGGGAGGCCGCACCCTCCGGCCGAAGCCCAGACTCCGCAGGTCCGGGGGCG-3'
Protein context (NP_001001557.1, residues 266-286): GRRVRPPQER[Ala276Gly]LLVVFTRSQR